The following is an entry in ClinVar:

ClinVar aggregate classification (germline): Uncertain significance (1 of 4 stars; one submission).

Allele frequency attached by ClinVar (database versions not stated): gnomAD 0.00001; gnomAD exomes 0.00001; TOPMed 0.00003; ExAC 0.00004.
gnomAD v4.1: 16 of 1,550,656 alleles (0.001%); highest among the groups gnomAD compares: Admixed American, 0.0061%; no homozygotes.

Submission:

Labcorp Genetics (formerly Invitae), Labcorp
Classification: Uncertain significance. Last evaluated: 2025-07-20. Review status: criteria provided, single submitter. Criteria: Invitae Variant Classification Sherloc (09022015). Collection method: clinical testing. Allele origin: germline.
Comment: This sequence change replaces proline, which is neutral and non-polar, with serine, which is neutral and polar, at codon 3214 of the SRCAP protein (p.Pro3214Ser). The frequency data for this variant in the population databases is considered unreliable, as metrics indicate poor data quality at this position in the gnomAD database. This variant has not been reported in the literature in individuals affected with SRCAP-related conditions. ClinVar contains an entry for this variant (Variation ID: 1985724). Invitae Evidence Modeling of protein sequence and biophysical properties (such as structural, functional, and spatial information, amino acid conservation, physicochemical variation, residue mobility, and thermodynamic stability) indicates that this missense variant is not expected to disrupt SRCAP protein function with a negative predictive value of 80%. In summary, the available evidence is currently insufficient to determine the role of this variant in disease. Therefore, it has been classified as a Variant of Uncertain Significance.

NM_006662.3(SRCAP):c.9640C>T (p.Pro3214Ser)

Gene: SRCAP (Snf2 related CREBBP activator protein; plus strand). Cytogenetic location: 16p11.2.
Variant type: single nucleotide variant.
Coding change: c.9640C>T on transcript NM_006662.3 (MANE Select); coding-DNA position 9640, C replaced by T.
Protein change: p.Pro3214Ser; replaces proline 3214 with serine.
Molecular consequence: missense variant.
Genome position (GRCh38, 1-based): chr16:30,739,680, C>T. VCF-style: chr16-30739680-C-T. GRCh37 (hg19) VCF-style: chr16-30751001-C-T.
Other names: short protein forms P3214S.
Identifiers: ClinVar variation 1985724 (VCV001985724.4), dbSNP rs753073651, ClinGen allele CA8012970.